The following is an entry in ClinVar:

ClinVar aggregate classification (germline): Likely benign (0 of 4 stars; one submission).

Conditions:
PLXNA1-related disorder. Also called: PLXNA1-related condition.

gnomAD v4.1: 8 of 1,613,710 alleles (0.0005%); highest among the groups gnomAD compares: African/African-American, 0.0053%; no homozygotes.

Submission:

PreventionGenetics, part of Exact Sciences
Classification: Likely benign for PLXNA1-related condition. Last evaluated: 2022-02-11. Review status: no assertion criteria provided. Collection method: clinical testing. Allele origin: germline.
Comment: This variant is classified as likely benign based on ACMG/AMP sequence variant interpretation guidelines (Richards et al. 2015 PMID: 25741868, with internal and published modifications).

NM_032242.4(PLXNA1):c.2217G>A (p.Gln739=)

Gene: PLXNA1 (plexin A1; plus strand). Cytogenetic location: 3q21.3.
Variant type: single nucleotide variant.
Coding change: c.2217G>A on transcript NM_032242.4 (MANE Select); coding-DNA position 2217, G replaced by A.
Protein change: p.Gln739=; no amino-acid change (glutamine 739 retained).
Molecular consequence: synonymous variant.
Genome position (GRCh38, 1-based): chr3:127,012,062, G>A. VCF-style: chr3-127012062-G-A. GRCh37 (hg19) VCF-style: chr3-126730905-G-A.
Identifiers: ClinVar variation 3355785 (VCV003355785.1).
Genomic context (GRCh38, chr3:127,012,062, plus strand): 5'-GGGAGTGGTAAAACCCATCACCCTGGCCGCACGGAACCTGCCACAGCCACAGTCAGGCCA[G>A]CGTGGATATGAGTGCCTCTTCCACATCCCGGGCAGCCCGGCCCGTGTCACCGCCCTGCGC-3'
Protein context (NP_115618.3, residues 729-749): ARNLPQPQSG[Gln739=]RGYECLFHIP